The following is an entry in ClinVar:

ClinVar aggregate classification (germline): Uncertain significance (1 of 4 stars; one submission).

gnomAD v4.1: 2 of 1,209,427 alleles (0.00017%); highest among the groups gnomAD compares: African/African-American, 0.0035%; no homozygotes.

Submission:

Ambry Genetics
Classification: Uncertain significance. Last evaluated: 2026-06-16. Review status: criteria provided, single submitter. Criteria: Ambry Variant Classification Scheme 2023. Collection method: clinical testing. Allele origin: germline.
Comment: The c.949A>G (p.T317A) alteration is located in exon 8 (coding exon 8) of the MAP7D3 gene. This alteration results from a A to G substitution at nucleotide position 949, causing the threonine (T) at amino acid position 317 to be replaced by an alanine (A). Based on data from gnomAD, the G allele has an overall frequency of 0.001% (2/181537) total alleles studied. The highest observed frequency was 0.016% (2/12399) of African alleles. Based on insufficient or conflicting evidence, the clinical significance of this alteration remains unclear.

NM_024597.4(MAP7D3):c.949A>G (p.Thr317Ala)

Gene: MAP7D3 (MAP7 domain containing 3; minus strand). Cytogenetic location: Xq26.3.
Variant type: single nucleotide variant.
Coding change: c.949A>G on transcript NM_024597.4 (MANE Select); coding-DNA position 949, A replaced by G.
Protein change: p.Thr317Ala; replaces threonine 317 with alanine.
Molecular consequence: missense variant.
Genome position (GRCh38, 1-based): chrX:136,232,008, T>C on the plus strand (A>G on the coding strand, the complement: MAP7D3 is on the minus strand). VCF-style: chrX-136232008-T-C. GRCh37 (hg19) VCF-style: chrX-135314167-T-C.
Other names: c.895A>G, p.Thr299Ala (NM_001173516.1); c.844A>G, p.Thr282Ala (NM_001173517.2); short protein forms T317A, T282A, T299A.
Identifiers: ClinVar variation 5023889 (VCV005023889.1).
Genomic context (GRCh38, chrX:136,232,008, plus strand): 5'-AGTCCGTGCTCACCTCAGGGGCCATGCCCACACCTGCCTTGGGGGACGCTTCCATGCTTG[T>C]GTTGCAGAATACTTCCACATTCACCTGGGGGGGTGCATCCACACTTGCCTTGGGAGGTGT-3'
Protein context (NP_078873.2, residues 307-327): PQVNVEVFCN[Thr317Ala]SMEASPKAGV